The following is an entry in ClinVar:

ClinVar aggregate classification (germline): Uncertain significance (1 of 4 stars; one submission).

Conditions:
Hereditary cancer-predisposing syndrome. Also called: Hereditary Cancer Syndrome; Neoplastic Syndromes, Hereditary; Tumor predisposition; Hereditary neoplastic syndrome. Identifiers: Orphanet 140162, MedGen C0027672, MeSH D009386, MONDO:0015356.

Allele frequency attached by ClinVar (database versions not stated): gnomAD exomes below 0.00001.
gnomAD v4.1: 1 of 1,613,652 alleles (0.000062%); highest among the groups gnomAD compares: South Asian, 0.0011%; no homozygotes.

Submission:

Ambry Genetics
Classification: Uncertain significance for Hereditary cancer-predisposing syndrome. Last evaluated: 2021-09-07. Review status: criteria provided, single submitter. Criteria: Ambry Variant Classification Scheme 2023. Collection method: clinical testing. Allele origin: germline.
Comment: The p.L174F variant (also known as c.520C>T), located in coding exon 3 of the MSH3 gene, results from a C to T substitution at nucleotide position 520. The leucine at codon 174 is replaced by phenylalanine, an amino acid with highly similar properties. This amino acid position is conserved. In addition, this alteration is predicted to be tolerated by in silico analysis. Since supporting evidence is limited at this time, the clinical significance of this alteration remains unclear.

NM_002439.5(MSH3):c.520C>T (p.Leu174Phe)

Gene: MSH3 (mutS homolog 3; plus strand). Cytogenetic location: 5q14.1.
Variant type: single nucleotide variant.
Coding change: c.520C>T on transcript NM_002439.5 (MANE Select); coding-DNA position 520, C replaced by T.
Protein change: p.Leu174Phe; replaces leucine 174 with phenylalanine.
Molecular consequence: missense variant.
Genome position (GRCh38, 1-based): chr5:80,665,304, C>T. VCF-style: chr5-80665304-C-T. GRCh37 (hg19) VCF-style: chr5-79961123-C-T.
Other names: short protein forms L174F.
Identifiers: ClinVar variation 1746091 (VCV001746091.2), dbSNP rs1276965330, ClinGen allele CA360264158.
Genomic context (GRCh38, chr5:80,665,304, plus strand): 5'-GAATCTCTGCAGGAGAGATTTGCAGTTCTGCCAAAATGTACTGATTTTGATGATATCAGT[C>T]TTCTACACGCAAAGAATGCAGTTTCTTCTGAAGATTCGAAACGTCAAATTAATCAAAAGG-3'
Protein context (NP_002430.3, residues 164-184): PKCTDFDDIS[Leu174Phe]LHAKNAVSSE